The following is an entry in ClinVar:

NM_004706.4(ARHGEF1):c.2044G>C (p.Asp682His)

Gene: ARHGEF1 (Rho guanine nucleotide exchange factor 1; plus strand). Cytogenetic location: 19q13.2.
Variant type: single nucleotide variant.
Coding change: c.2044G>C on transcript NM_004706.4 (MANE Select); coding-DNA position 2044, G replaced by C.
Protein change: p.Asp682His; replaces aspartic acid 682 with histidine.
Molecular consequence: missense variant. On other transcripts: non-coding transcript variant (2).
Genome position (GRCh38, 1-based): chr19:41,904,266, G>C. VCF-style: chr19-41904266-G-C. GRCh37 (hg19) VCF-style: chr19-42408418-G-C.
Other names: c.1945G>C, p.Asp649His (NM_198977.2, NM_001396002.1, NM_001396004.1); c.2089G>C, p.Asp697His (NM_199002.2); c.2212G>C, p.Asp738His (NM_001396000.1); c.2044G>C, p.Asp682His (NM_001396003.1, NM_001396006.1); short protein forms D649H, D697H, D738H, D682H.
Identifiers: ClinVar variation 2696781 (VCV002696781.3), dbSNP rs2513907524, ClinGen allele CA406064593.

ClinVar aggregate classification (germline): Uncertain significance (1 of 4 stars; one submission).

Submission:

Labcorp Genetics (formerly Invitae), Labcorp
Classification: Uncertain significance. Last evaluated: 2025-01-19. Review status: criteria provided, single submitter. Criteria: Invitae Variant Classification Sherloc (09022015). Collection method: clinical testing. Allele origin: germline.
Comment: This sequence change replaces aspartic acid, which is acidic and polar, with histidine, which is basic and polar, at codon 697 of the ARHGEF1 protein (p.Asp697His). This variant is not present in population databases (gnomAD no frequency). This variant has not been reported in the literature in individuals affected with ARHGEF1-related conditions. ClinVar contains an entry for this variant (Variation ID: 2696781). An algorithm developed to predict the effect of missense changes on protein structure and function (PolyPhen-2) suggests that this variant is likely to be disruptive. In summary, the available evidence is currently insufficient to determine the role of this variant in disease. Therefore, it has been classified as a Variant of Uncertain Significance.